The following is an entry in ClinVar:

ClinVar aggregate classification (germline): Uncertain significance (1 of 4 stars; one submission).

Submission:

GeneDx
Classification: Uncertain significance. Last evaluated: 2017-08-07. Review status: criteria provided, single submitter. Criteria: GeneDx Variant Classification (06012015). Collection method: clinical testing. Allele origin: germline. Affected: yes.
Comment: The H1062D variant in the ATN1 gene has not been reported previously as a pathogenic variant, nor as a benign variant, to our knowledge. The H1062D variant was not observed in approximately 6,400 individuals of European and African American ancestry in the NHLBI Exome Sequencing Project, indicating it is not a common benign variant in these populations. The H1062D variant is a non-conservative amino acid substitution, which is likely to impact secondary protein structure as these residues differ in polarity, charge, size and/or other properties. This substitution occurs at a position that is conserved across species. In silico analysis predicts this variant is probably damaging to the protein structure/function. However, to date only trinucleotide repeat expansions have been reported in the Human Gene Mutation Database in association with ATN1-related disorders (Stenson et al., 2014). Therefore, we interpret H1062D as a variant of uncertain significance.

NM_001940.4(ATN1):c.3184C>G (p.His1062Asp)

Gene: ATN1 (atrophin 1; plus strand). Cytogenetic location: 12p13.31.
Variant type: single nucleotide variant.
Coding change: c.3184C>G on transcript NM_001940.4 (MANE Select); coding-DNA position 3184, C replaced by G.
Protein change: p.His1062Asp; replaces histidine 1062 with aspartic acid.
Molecular consequence: missense variant.
Genome position (GRCh38, 1-based): chr12:6,939,147, C>G. VCF-style: chr12-6939147-C-G. GRCh37 (hg19) VCF-style: chr12-7048310-C-G.
Other names: c.3184C>G, p.His1062Asp (NM_001007026.2); short protein forms H1062D.
Identifiers: ClinVar variation 386404 (VCV000386404.2), dbSNP rs1057522490, ClinGen allele CA16606377.